The following is an entry in ClinVar:

ClinVar aggregate classification (germline): Uncertain significance (1 of 4 stars; one submission).

Conditions:
Hereditary cancer-predisposing syndrome. Also called: Tumor predisposition; Neoplastic Syndromes, Hereditary; Hereditary neoplastic syndrome; Hereditary Cancer Syndrome. Identifiers: Orphanet 140162, MedGen C0027672, MeSH D009386, MONDO:0015356.

Submission:

Ambry Genetics
Classification: Uncertain significance for Hereditary cancer-predisposing syndrome. Last evaluated: 2025-07-29. Review status: criteria provided, single submitter. Criteria: Ambry Variant Classification Scheme 2023. Collection method: clinical testing. Allele origin: germline.
Comment: The c.252_311del60 variant (also known as p.I85_S104del) is located in coding exon 1 of the MEN1 gene. This variant results from an in-frame deletion of 60 nucleotides at positions 252 to 311. This results in the in-frame deletion of 20 amino acids at codons 85 to 104. This amino acid region is well conserved in available vertebrate species. In addition, this variant is predicted to be deleterious by in silico analysis (Choi Y et al. PLoS ONE. 2012; 7(10):e46688). Based on the available evidence, the clinical significance of this variant remains unclear.

NM_001370259.2(MEN1):c.252_311del (p.Ile85_Ser104del)

Gene: MEN1 (menin 1; minus strand). Cytogenetic location: 11q13.1.
Variant type: Deletion.
Coding change: c.252_311del on transcript NM_001370259.2 (MANE Select); coding-DNA positions 252 to 311, 60 bases deleted.
Protein change: p.Ile85_Ser104del.
Molecular consequence: non-coding transcript variant (on NR_176284.1). On other transcripts: inframe indel (1).
Genome position (GRCh38, 1-based): chr11:64,809,799-64,809,858, 60 bases deleted. GRCh37 (hg19): chr11:64,577,280-64,577,339.
Other names: c.252_311del, p.Ile85_Ser104del (NM_000244.4, NM_001370251.2, NM_001370260.2 and 20 more transcripts); c.252_311del60 (NM_130799.2).
Identifiers: ClinVar variation 4106564 (VCV004106564.1).